The following is an entry in ClinVar:

NM_007078.3(LDB3):c.1890C>T (p.His630=)

Gene: LDB3 (LIM domain binding 3; plus strand). Cytogenetic location: 10q23.2.
Variant type: single nucleotide variant.
Coding change: c.1890C>T on transcript NM_007078.3 (MANE Select); coding-DNA position 1890, C replaced by T.
Protein change: p.His630=; no amino-acid change (histidine 630 retained).
Molecular consequence: synonymous variant.
Genome position (GRCh38, 1-based): chr10:86,718,759, C>T. VCF-style: chr10-86718759-C-T. GRCh37 (hg19) VCF-style: chr10-88478516-C-T.
Other names: c.1560C>T, p.His520= (NM_001080114.2); c.1905C>T, p.His635= (NM_001171610.2); c.1701C>T, p.His567= (NM_001368064.1, NM_001368065.1); c.1749C>T, p.His583= (NM_001368066.1); c.1560C>T (NM_001080114.1).
Identifiers: ClinVar variation 1602598 (VCV001602598.9), dbSNP rs748921017, ClinGen allele CA5585256.

ClinVar aggregate classification (germline): Likely benign. Review status: criteria provided, multiple submitters, no conflicts (2 of 4 stars). 2 submissions from 2 submitters: Likely benign (2). Last evaluated 2026-06-28.

Conditions:
LDB3-related disorder. Also called: LDB3-related condition.
Myofibrillar myopathy 4. Also called: Zaspopathy (type). Identifiers: Orphanet 98912, MedGen C4721886, MONDO:0012277, OMIM 609452.

Allele frequency attached by ClinVar (database versions not stated): gnomAD exomes below 0.00001 and 0.00001; ExAC 0.00001; gnomAD 0.00001; TOPMed 0.00002.
gnomAD v4.1: 6 of 1,614,048 alleles (0.00037%); highest among the groups gnomAD compares: Admixed American, 0.005%; no homozygotes.

Submissions (2):

PreventionGenetics, part of Exact Sciences
Classification: Likely benign for LDB3-related condition. Last evaluated: 2026-06-28. Review status: criteria provided, single submitter. Criteria: ACMG Guidelines, 2015. Collection method: clinical testing. Allele origin: germline.
Comment: This variant is classified as likely benign based on ACMG/AMP sequence variant interpretation guidelines (Richards et al. 2015 PMID: 25741868, with internal and published modifications).

Labcorp Genetics (formerly Invitae), Labcorp
Classification: Likely benign for Myofibrillar myopathy 4. Last evaluated: 2025-12-16. Review status: criteria provided, single submitter. Criteria: Invitae Variant Classification Sherloc (09022015). Collection method: clinical testing. Allele origin: germline.